The following is an entry in ClinVar:

NM_000787.4(DBH):c.756C>G (p.Ile252Met)

Gene: DBH (dopamine beta-hydroxylase; plus strand). Cytogenetic location: 9q34.2.
Variant type: single nucleotide variant.
Coding change: c.756C>G on transcript NM_000787.4 (MANE Select); coding-DNA position 756, C replaced by G.
Protein change: p.Ile252Met; replaces isoleucine 252 with methionine.
Molecular consequence: missense variant.
Genome position (GRCh38, 1-based): chr9:133,643,424, C>G. VCF-style: chr9-133643424-C-G. GRCh37 (hg19) VCF-style: chr9-136508546-C-G.
Other names: short protein forms I252M.
Identifiers: ClinVar variation 4740899 (VCV004740899.1).

ClinVar aggregate classification (germline): Uncertain significance (1 of 4 stars; one submission).

Conditions:
Orthostatic hypotension 1 (ORTHYP1). Also called: Dopamine beta-hydroxylase deficiency; NORADRENALINE DEFICIENCY; NOREPINEPHRINE DEFICIENCY; Orthostatic hypotension 1, due to DBH deficiency. Identifiers: Orphanet 230, MedGen C4746777, MONDO:0009123, OMIM 223360.

gnomAD v4.1: 2 of 1,613,862 alleles (0.00012%); highest among the groups gnomAD compares: African/African-American, 0.0027%; no homozygotes.

Submission:

Labcorp Genetics (formerly Invitae), Labcorp
Classification: Uncertain significance for Orthostatic hypotension 1. Last evaluated: 2025-08-04. Review status: criteria provided, single submitter. Criteria: Invitae Variant Classification Sherloc (09022015). Collection method: clinical testing. Allele origin: germline.
Comment: This sequence change replaces isoleucine, which is neutral and non-polar, with methionine, which is neutral and non-polar, at codon 252 of the DBH protein (p.Ile252Met). This variant is not present in population databases (gnomAD no frequency). This variant has not been reported in the literature in individuals affected with DBH-related conditions. Invitae Evidence Modeling of protein sequence and biophysical properties (such as structural, functional, and spatial information, amino acid conservation, physicochemical variation, residue mobility, and thermodynamic stability) indicates that this missense variant is not expected to disrupt DBH protein function with a negative predictive value of 80%. In summary, the available evidence is currently insufficient to determine the role of this variant in disease. Therefore, it has been classified as a Variant of Uncertain Significance.